The following is an entry in ClinVar:

NM_201384.3(PLEC):c.4643C>T (p.Ala1548Val)

Gene: PLEC (plectin; minus strand). Cytogenetic location: 8q24.3.
Variant type: single nucleotide variant.
Coding change: c.4643C>T on transcript NM_201384.3 (MANE Select); coding-DNA position 4643, C replaced by T.
Protein change: p.Ala1548Val; replaces alanine 1548 with valine.
Molecular consequence: missense variant.
Genome position (GRCh38, 1-based): chr8:143,925,286, G>A on the plus strand (C>T on the coding strand, the complement: PLEC is on the minus strand). VCF-style: chr8-143925286-G-A. GRCh37 (hg19) VCF-style: chr8-144999454-G-A.
Other names: c.4724C>T, p.Ala1575Val (NM_000445.5); c.4601C>T, p.Ala1534Val (NM_201378.4); c.4577C>T, p.Ala1526Val (NM_201379.3); c.5054C>T, p.Ala1685Val (NM_201380.4); c.4547C>T, p.Ala1516Val (NM_201381.3); c.4643C>T, p.Ala1548Val (NM_201382.4); c.4655C>T, p.Ala1552Val (NM_201383.3); short protein forms A1534V, A1575V, A1685V, A1548V, A1516V, A1526V, A1552V.
Identifiers: ClinVar variation 1041642 (VCV001041642.5), dbSNP rs533788232, ClinGen allele CA4926596.

ClinVar aggregate classification (germline): Uncertain significance (1 of 4 stars; one submission).

Conditions:
Epidermolysis bullosa simplex 5B, with muscular dystrophy (EBS5B). Also called: EPIDERMOLYSIS BULLOSA SIMPLEX AND LIMB-GIRDLE MUSCULAR DYSTROPHY; Epidermolysis bullosa simplex with muscular dystrophy. Identifiers: Orphanet 257, MedGen C2931072, MONDO:0009181, OMIM 226670.
Epidermolysis bullosa simplex 5C, with pyloric atresia (EBS5C). Also called: Epidermolysis bullosa simplex with pyloric atresia; PLEC-Related Epidermolysis Bullosa with Pyloric Atresia; PLEC1-Related Epidermolysis Bullosa with Pyloric Atresia. Identifiers: Orphanet 158684, MedGen C2677349, MONDO:0012807, OMIM 612138.
Autosomal recessive limb-girdle muscular dystrophy type 2Q (LGMDR17). Also called: MUSCULAR DYSTROPHY, LIMB-GIRDLE, AUTOSOMAL RECESSIVE 17. Identifiers: Orphanet 254361, MedGen C3150989, MONDO:0013390, OMIM 613723.
Epidermolysis bullosa simplex with nail dystrophy (EBS5D). Identifiers: MedGen C4225309, MONDO:0014661, OMIM 616487.
Epidermolysis bullosa simplex, Ogna type (EBS5A). Also called: Pidermolysis bullosa simplex 5A, Ogna type; EPIDERMOLYSIS BULLOSA SIMPLEX 5A, OGNA TYPE. Identifiers: Orphanet 79401, MedGen C0432317, MONDO:0007555, OMIM 131950.

Allele frequency attached by ClinVar (database versions not stated): gnomAD exomes 0.00003; TOPMed 0.00004; gnomAD 0.00005 and 0.00006; ExAC 0.00006.
gnomAD v4.1: 28 of 1,575,518 alleles (0.0018%); highest among the groups gnomAD compares: Middle Eastern, 0.02%; no homozygotes.

Submission:

Labcorp Genetics (formerly Invitae), Labcorp
Classification: Uncertain significance for Autosomal recessive limb-girdle muscular dystrophy type 2Q; Epidermolysis bullosa simplex, Ogna type; Epidermolysis bullosa simplex with nail dystrophy; Epidermolysis bullosa simplex 5C, with pyloric atresia; Epidermolysis bullosa simplex 5B, with muscular dystrophy. Last evaluated: 2023-01-31. Review status: criteria provided, single submitter. Criteria: Invitae Variant Classification Sherloc (09022015). Collection method: clinical testing. Allele origin: germline.
Comment: This sequence change replaces alanine, which is neutral and non-polar, with valine, which is neutral and non-polar, at codon 1575 of the PLEC protein (p.Ala1575Val). This variant is present in population databases (rs533788232, gnomAD 0.02%). This variant has not been reported in the literature in individuals affected with PLEC-related conditions. ClinVar contains an entry for this variant (Variation ID: 1041642). Advanced modeling of protein sequence and biophysical properties (such as structural, functional, and spatial information, amino acid conservation, physicochemical variation, residue mobility, and thermodynamic stability) performed at Invitae indicates that this missense variant is not expected to disrupt PLEC protein function. In summary, the available evidence is currently insufficient to determine the role of this variant in disease. Therefore, it has been classified as a Variant of Uncertain Significance.